The following is an entry in ClinVar:

NM_000051.4(ATM):c.727_728del (p.Leu243fs)

Gene: ATM (ATM serine/threonine kinase; plus strand). Cytogenetic location: 11q22.3.
Variant type: Deletion.
Coding change: c.727_728del on transcript NM_000051.4 (MANE Select); coding-DNA positions 727 to 728, 2 bases deleted (TT; older notation c.727_728delTT).
Protein change: p.Leu243fs; shifts the reading frame from leucine 243.
Molecular consequence: frameshift variant.
Genome position (GRCh38, 1-based): chr11:108,244,852-108,244,853, TT deleted; deleting any 2 consecutive bases within chr11:108,244,851-108,244,853 gives the same sequence; the c. name uses the placement nearest the transcript's 3' end. VCF-style (leftmost placement, unchanged base first): chr11-108244850-CTT-C. GRCh37 (hg19) VCF-style: chr11-108115577-CTT-C.
Other names: c.727_728del, p.Leu243fs (NM_001351834.2); short protein forms L243fs.
Identifiers: ClinVar variation 4715630 (VCV004715630.1).

ClinVar aggregate classification (germline): Pathogenic (1 of 4 stars; one submission).

Conditions:
Ataxia-telangiectasia syndrome (AT). Also called: AT, COMPLEMENTATION GROUP C; Ataxia-telangiectasia, complementation group D; Cerebello-oculocutaneous telangiectasia; Immunodeficiency with ataxia telangiectasia; LOUIS-BAR SYNDROME; Ataxia telangiectasia (A-T). Identifiers: Orphanet 100, MedGen C0004135, MONDO:0008840, OMIM 208900.

Submission:

Labcorp Genetics (formerly Invitae), Labcorp
Classification: Pathogenic for Ataxia-telangiectasia syndrome. Last evaluated: 2025-03-21. Review status: criteria provided, single submitter. Criteria: Invitae Variant Classification Sherloc (09022015). Collection method: clinical testing. Allele origin: germline.
Comment: This sequence change creates a premature translational stop signal (p.Leu243Glyfs*10) in the ATM gene. It is expected to result in an absent or disrupted protein product. Loss-of-function variants in ATM are known to be pathogenic (PMID: 23807571, 25614872). This variant is not present in population databases (gnomAD no frequency). This variant has not been reported in the literature in individuals affected with ATM-related conditions. For these reasons, this variant has been classified as Pathogenic.

Literature cited by the submitters: PubMed 23807571; PubMed 25614872.